The following is an entry in ClinVar:

ClinVar aggregate classification (germline): Uncertain significance (1 of 4 stars; one submission).

Conditions:
Autosomal dominant centronuclear myopathy. Also called: Myopathy, centronuclear, 3; MYOTUBULAR MYOPATHY, AUTOSOMAL DOMINANT. Identifiers: Orphanet 169189, MedGen C4551952, MeSH D020914, MONDO:0008048, OMIM 160150.
Fetal akinesia-cerebral and retinal hemorrhage syndrome. Also called: MYOPATHY, CENTRONUCLEAR, LETHAL, AUTOSOMAL RECESSIVE; Lethal congenital contracture syndrome 5. Identifiers: Orphanet 363409, MedGen C4706410, MONDO:0014149, OMIM 615368.
Charcot-Marie-Tooth disease dominant intermediate B (CMTDIB). Also called: CHARCOT-MARIE-TOOTH NEUROPATHY, DOMINANT INTERMEDIATE B; Charcot-Marie-Tooth disease dominant intermediate 1; CMT DI1; Charcot-Marie-Tooth disease dominant intermediate I. Identifiers: Orphanet 100044, Orphanet 228179, MedGen C1847902, MONDO:0011674, OMIM 606482.
Autosomal dominant Charcot-Marie-Tooth disease type 2M (CMT2M). Also called: CHARCOT-MARIE-TOOTH DISEASE, AXONAL, TYPE 2M; CHARCOT-MARIE-TOOTH DISEASE, AXONAL, AUTOSOMAL DOMINANT, TYPE 2M; CHARCOT-MARIE-TOOTH NEUROPATHY, AXONAL, TYPE 2M; Charcot-Marie-Tooth disease, type 2M. Identifiers: Orphanet 228179, MedGen C4304672, MONDO:0016431.

Allele frequency attached by ClinVar (database versions not stated): gnomAD exomes 0.00001.
gnomAD v4.1: 7 of 1,613,672 alleles (0.00043%); highest among the groups gnomAD compares: Non-Finnish European, 0.00059%; no homozygotes.

Submission:

Labcorp Genetics (formerly Invitae), Labcorp
Classification: Uncertain significance for Charcot-Marie-Tooth disease dominant intermediate B. Last evaluated: 2025-07-26. Review status: criteria provided, single submitter. Criteria: Invitae Variant Classification Sherloc (09022015). Collection method: clinical testing. Allele origin: germline.
Comment: This sequence change replaces glycine, which is neutral and non-polar, with cysteine, which is neutral and slightly polar, at codon 786 of the DNM2 protein (p.Gly786Cys). This variant is not present in population databases (gnomAD no frequency). This variant has not been reported in the literature in individuals affected with DNM2-related conditions. ClinVar contains an entry for this variant (Variation ID: 465285). Invitae Evidence Modeling of protein sequence and biophysical properties (such as structural, functional, and spatial information, amino acid conservation, physicochemical variation, residue mobility, and thermodynamic stability) has been performed for this missense variant. However, the output from this modeling did not meet the statistical confidence thresholds required to predict the impact of this variant on DNM2 protein function. In summary, the available evidence is currently insufficient to determine the role of this variant in disease. Therefore, it has been classified as a Variant of Uncertain Significance.

NM_001005361.3(DNM2):c.2356G>T (p.Gly786Cys)

Gene: DNM2 (dynamin 2; plus strand). Cytogenetic location: 19p13.2.
Variant type: single nucleotide variant.
Coding change: c.2356G>T on transcript NM_001005361.3 (MANE Select); coding-DNA position 2356, G replaced by T.
Protein change: p.Gly786Cys; replaces glycine 786 with cysteine.
Molecular consequence: missense variant.
Genome position (GRCh38, 1-based): chr19:10,830,191, G>T. VCF-style: chr19-10830191-G-T. GRCh37 (hg19) VCF-style: chr19-10940867-G-T.
Other names: c.2356G>T, p.Gly786Cys (NM_001005360.3, NM_001190716.2); c.2344G>T, p.Gly782Cys (NM_001005362.3, NM_004945.4); short protein forms G786C, G782C.
Identifiers: ClinVar variation 465285 (VCV000465285.12), dbSNP rs1555717200, ClinGen allele CA404043779.
Genomic context (GRCh38, chr19:10,830,191, plus strand): 5'-ACTCCACAGCGCCGACCGGTGTCCAGCATACACCCCCCTGGCCGGCCCCCAGCAGTGAGG[G>T]GCCCCACTCCAGGGCCCCCCCTGATTCCTGTTCCCGTGGGGGCAGCAGCCTCCTTCTCGG-3'
Protein context (NP_001005361.1, residues 776-796): HPPGRPPAVR[Gly786Cys]PTPGPPLIPV